The following is an entry in ClinVar:

ClinVar aggregate classification (germline): Likely benign. Review status: criteria provided, multiple submitters, no conflicts (2 of 4 stars). 4 submissions from 4 submitters: Likely benign (4). Last evaluated 2026-07-30.

Conditions:
DSP-related disorder. Also called: DSP-related condition; DSP-related disorders.
Cardiovascular phenotype. Identifiers: MedGen CN230736.
Arrhythmogenic cardiomyopathy with wooly hair and keratoderma. Also called: Arrhythmogenic cardiomyopathy with woolly hair and keratoderma; Carvajal syndrome; PALMOPLANTAR KERATODERMA WITH LEFT VENTRICULAR CARDIOMYOPATHY AND WOOLLY HAIR; Dilated cardiomyopathy with woolly hair and keratoderma. Identifiers: Orphanet 65282, MedGen C1854063, MONDO:0011581, OMIM 605676.
Arrhythmogenic right ventricular dysplasia 8 (ARVD8). Also called: ARRHYTHMOGENIC RIGHT VENTRICULAR DYSPLASIA, FAMILIAL, 8; ARRHYTHMOGENIC RIGHT VENTRICULAR CARDIOMYOPATHY 8; Arrhythmogenic Right Ventricular Dysplasia/Cardiomyopathy 8. Identifiers: MedGen C1843896, MONDO:0011831, OMIM 607450.

Allele frequency attached by ClinVar (database versions not stated): gnomAD exomes below 0.00001 and 0.00001; ExAC 0.00002; gnomAD 0.00003; TOPMed 0.00003.
gnomAD v4.1: 28 of 1,614,036 alleles (0.0017%); highest among the groups gnomAD compares: African/African-American, 0.023%; no homozygotes.

Submissions (4):

PreventionGenetics, part of Exact Sciences
Classification: Likely benign for DSP-related condition. Last evaluated: 2026-07-30. Review status: criteria provided, single submitter. Criteria: ACMG Guidelines, 2015. Collection method: clinical testing. Allele origin: germline.
Comment: This variant is classified as likely benign based on ACMG/AMP sequence variant interpretation guidelines (Richards et al. 2015 PMID: 25741868, with internal and published modifications).

Labcorp Genetics (formerly Invitae), Labcorp
Classification: Likely benign for Arrhythmogenic cardiomyopathy with wooly hair and keratoderma; Arrhythmogenic right ventricular dysplasia 8. Last evaluated: 2026-01-31. Review status: criteria provided, single submitter. Criteria: Invitae Variant Classification Sherloc (09022015). Collection method: clinical testing. Allele origin: germline.

Ambry Genetics
Classification: Likely benign for Cardiovascular phenotype. Last evaluated: 2023-06-17. Review status: criteria provided, single submitter. Criteria: Ambry Variant Classification Scheme 2023. Collection method: clinical testing. Allele origin: germline.

CeGaT Center for Human Genetics Tuebingen
Classification: Likely benign. Last evaluated: 2022-05-01. Review status: criteria provided, single submitter. Criteria: CeGaT Center For Human Genetics Tuebingen Variant Classification Criteria Version 2. Collection method: clinical testing. Allele origin: germline. Affected: yes. Observed: 1 variant allele.
Comment: DSP: BP4, BP7

NM_004415.4(DSP):c.1512T>C (p.Leu504=)

Gene: DSP (desmoplakin; plus strand). Cytogenetic location: 6p24.3.
Variant type: single nucleotide variant.
Coding change: c.1512T>C on transcript NM_004415.4 (MANE Select); coding-DNA position 1512, T replaced by C.
Protein change: p.Leu504=; no amino-acid change (leucine 504 retained).
Molecular consequence: synonymous variant.
Genome position (GRCh38, 1-based): chr6:7,569,278, T>C. VCF-style: chr6-7569278-T-C. GRCh37 (hg19) VCF-style: chr6-7569511-T-C.
Other names: c.1512T>C (NM_004415.2, NM_004415.3); c.1512T>C, p.Leu504= (NM_001008844.3, NM_001319034.2).
Identifiers: ClinVar variation 1095376 (VCV001095376.36), dbSNP rs537526794, ClinGen allele CA028576.